The following is an entry in ClinVar:

ClinVar aggregate classification (germline): Uncertain significance (1 of 4 stars; one submission).

Conditions:
Inborn genetic diseases. Identifiers: MedGen C0950123, MeSH D030342.

Submission:

Ambry Genetics
Classification: Uncertain significance for Inborn genetic diseases. Last evaluated: 2024-09-24. Review status: criteria provided, single submitter. Criteria: Ambry Variant Classification Scheme 2023. Collection method: clinical testing. Allele origin: germline.
Comment: The p.R861K variant (also known as c.2582G>A), located in coding exon 12 of the ATR gene, results from a G to A substitution at nucleotide position 2582. The arginine at codon 861 is replaced by lysine, an amino acid with highly similar properties. This amino acid position is conserved. In addition, this alteration is predicted to be tolerated by in silico analysis. Since supporting evidence is limited at this time, the clinical significance of this alteration remains unclear.

NM_001184.4(ATR):c.2582G>A (p.Arg861Lys)

Gene: ATR (ATR checkpoint kinase; minus strand). Cytogenetic location: 3q23.
Variant type: single nucleotide variant.
Coding change: c.2582G>A on transcript NM_001184.4 (MANE Select); coding-DNA position 2582, G replaced by A.
Protein change: p.Arg861Lys; replaces arginine 861 with lysine.
Molecular consequence: missense variant.
Genome position (GRCh38, 1-based): chr3:142,553,691, C>T on the plus strand (G>A on the coding strand, the complement: ATR is on the minus strand). VCF-style: chr3-142553691-C-T. GRCh37 (hg19) VCF-style: chr3-142272533-C-T.
Other names: c.2390G>A, p.Arg797Lys (NM_001354579.2); short protein forms R797K, R861K.
Identifiers: ClinVar variation 1793395 (VCV001793395.3), dbSNP rs2473384075, ClinGen allele CA354815565.